The following is an entry in ClinVar:

ClinVar aggregate classification (germline): Uncertain significance (1 of 4 stars; one submission).

gnomAD v4.1: 87 of 1,614,204 alleles (0.0054%); highest among the groups gnomAD compares: South Asian, 0.032%; 1 homozygote.

Submission:

Labcorp Genetics (formerly Invitae), Labcorp
Classification: Uncertain significance. Last evaluated: 2024-02-04. Review status: criteria provided, single submitter. Criteria: Invitae Variant Classification Sherloc (09022015). Collection method: clinical testing. Allele origin: germline.
Comment: This sequence change replaces arginine, which is basic and polar, with tryptophan, which is neutral and slightly polar, at codon 70 of the PAX4 protein (p.Arg70Trp). This variant is present in population databases (rs531729557, gnomAD 0.03%). This variant has not been reported in the literature in individuals affected with PAX4-related conditions. An algorithm developed to predict the effect of missense changes on protein structure and function (PolyPhen-2) suggests that this variant is likely to be disruptive. In summary, the available evidence is currently insufficient to determine the role of this variant in disease. Therefore, it has been classified as a Variant of Uncertain Significance.

NM_001366110.1(PAX4):c.232C>T (p.Arg78Trp)

Gene: PAX4 (paired box 4; minus strand). Cytogenetic location: 7q32.1.
Variant type: single nucleotide variant.
Coding change: c.232C>T on transcript NM_001366110.1 (MANE Select); coding-DNA position 232, C replaced by T.
Protein change: p.Arg78Trp; replaces arginine 78 with tryptophan.
Molecular consequence: missense variant.
Genome position (GRCh38, 1-based): chr7:127,615,008, G>A on the plus strand (C>T on the coding strand, the complement: PAX4 is on the minus strand). VCF-style: chr7-127615008-G-A. GRCh37 (hg19) VCF-style: chr7-127255062-G-A.
Other names: c.232C>T, p.Arg78Trp (NM_001366111.1); short protein forms R78W.
Identifiers: ClinVar variation 3719471 (VCV003719471.2).